The following is an entry in ClinVar:

Conditions:
Breast-ovarian cancer, familial, susceptibility to, 1 (BROVCA1). Also called: BRCA1 Hereditary Breast and Ovarian Cancer; OVARIAN CANCER, SUSCEPTIBILITY TO. Identifiers: Orphanet 145, MedGen C2676676, MONDO:0011450, OMIM 604370. Disease mechanism: loss of function.

Submission:

Brotman Baty Institute, University of Washington
No classification provided (evidence only). Condition: Breast-ovarian cancer, familial 1. Review status: no classification provided. Collection method: in vitro. Allele origin: not applicable. Functional consequence: functionally_normal.
ClinVar note: "not provided" was previously submitted as the classification for the variant. However, the classification appeared to be based only on an observation of functional data so it was converted to no classification on 2025-07-30.

NM_007294.4(BRCA1):c.5333-11G>C

Gene: BRCA1 (BRCA1 DNA repair associated; minus strand). Cytogenetic location: 17q21.31.
Variant type: single nucleotide variant.
Coding change: c.5333-11G>C on transcript NM_007294.4 (MANE Select); 11 bases into the intron before coding-DNA position 5333, G replaced by C.
Molecular consequence: intron variant.
Genome position (GRCh38, 1-based): chr17:43,049,205, C>G on the plus strand (G>C on the coding strand, the complement: BRCA1 is on the minus strand). VCF-style: chr17-43049205-C-G. GRCh37 (hg19) VCF-style: chr17-41201222-C-G.
Other names: c.1943-11G>C (NM_001408414.1, NM_001408415.1, NM_001408412.1 and 2 more transcripts); c.1946-11G>C (NM_001408411.1); c.5255-11G>C (NM_001407655.1, NM_001407654.1, NM_001407652.1 and 1 more transcripts); c.4994-11G>C (NM_001407956.1, NM_001407957.1, NM_001407958.1); c.5120-11G>C (NM_001407897.1, NM_001407908.1, NM_001407898.1 and 12 more transcripts); c.5000-11G>C (NM_001407947.1, NM_001407949.1, NM_001407946.1 and 1 more transcripts); c.1097-11G>C (NM_001408514.1); c.1811-11G>C (NM_001408485.1, NM_001408483.1, NM_001408491.1 and 5 more transcripts); and 84 more.
Identifiers: ClinVar variation 865343 (VCV000865343.3), dbSNP rs1057524666, ClinGen allele CA916080902.